The following is an entry in ClinVar:

NM_004614.5(TK2):c.166G>C (p.Glu56Gln)

Gene: TK2 (thymidine kinase 2; minus strand). Cytogenetic location: 16q21.
Variant type: single nucleotide variant.
Coding change: c.166G>C on transcript NM_004614.5 (MANE Select); coding-DNA position 166, G replaced by C.
Protein change: p.Glu56Gln; replaces glutamic acid 56 with glutamine.
Molecular consequence: missense variant. On other transcripts: 5 prime UTR variant (1), non-coding transcript variant (1), intron variant (1).
Genome position (GRCh38, 1-based): chr16:66,541,944, C>G on the plus strand (G>C on the coding strand, the complement: TK2 is on the minus strand). VCF-style: chr16-66541944-C-G. GRCh37 (hg19) VCF-style: chr16-66575847-C-G.
Other names: c.73G>C, p.Glu25Gln (NM_001172643.1, NM_001271935.1); c.166G>C, p.Glu56Gln (NM_001172645.2); c.19G>C, p.Glu7Gln (NM_001271934.2); c.-126G>C (NM_001272050.2); c.157-4927G>C (NM_001172644.2); short protein forms E25Q, E56Q, E7Q.
Identifiers: ClinVar variation 3251999 (VCV003251999.2), dbSNP rs1203258681.

ClinVar aggregate classification (germline): Uncertain significance (1 of 4 stars; one submission).

Conditions:
Mitochondrial DNA depletion syndrome, myopathic form (MTDPS2). Also called: MITOCHONDRIAL DNA DEPLETION SYNDROME 2 (MYOPATHIC TYPE); TK2-Related Mitochondrial DNA Maintenance Defect, Myopathic Form; MITOCHONDRIAL DNA DEPLETION MYOPATHY, TK2-RELATED. Identifiers: Orphanet 254875, MedGen C3149750, MONDO:0012301, OMIM 609560.

Submission:

Pediatrics, Sichuan Provincial Hospital For Women And Children
Classification: Uncertain significance for Mitochondrial DNA depletion syndrome, myopathic form. Review status: criteria provided, single submitter. Criteria: ACMG Guidelines, 2015. Collection method: provider interpretation. Allele origin: maternal. Inheritance: Autosomal recessive inheritance. Affected: yes. Observed: 1 hemizygote.
Comment: PM2_Supporting+PM3+PP3_Moderate